The following is an entry in ClinVar:

NM_005562.3(LAMC2):c.2970C>A (p.Thr990=)

Gene: LAMC2 (laminin subunit gamma 2; plus strand). Cytogenetic location: 1q25.3.
Variant type: single nucleotide variant.
Coding change: c.2970C>A on transcript NM_005562.3 (MANE Select); coding-DNA position 2970, C replaced by A.
Protein change: p.Thr990=; no amino-acid change (threonine 990 retained).
Molecular consequence: synonymous variant.
Genome position (GRCh38, 1-based): chr1:183,239,464, C>A. VCF-style: chr1-183239464-C-A. GRCh37 (hg19) VCF-style: chr1-183208599-C-A.
Other names: c.2970C>A, p.Thr990= (NM_018891.3).
Identifiers: ClinVar variation 716058 (VCV000716058.14), dbSNP rs182929815, ClinGen allele CA1283113.

ClinVar aggregate classification (germline): Benign/Likely benign. Review status: criteria provided, multiple submitters, no conflicts (2 of 4 stars). 3 submissions from 3 submitters: Benign (1); Likely benign (1). 1 of the submissions does not count toward it. Last evaluated 2026-01-16.

Conditions:
LAMC2-related disorder. Also called: LAMC2-related condition.

Allele frequency attached by ClinVar (database versions not stated): gnomAD exomes 0.00003 and 0.00013; ESP Exome Variant Server 0.00015; ExAC 0.00016; TOPMed 0.00047; gnomAD 0.00049 and 0.00052; 1000 Genomes Project 0.00160; 1000 Genomes Project 30x 0.00187.
gnomAD v4.1: 134 of 1,614,092 alleles (0.0083%); highest among the groups gnomAD compares: African/African-American, 0.15%; 1 homozygote.

Submissions (3):

Labcorp Genetics (formerly Invitae), Labcorp
Classification: Benign. Last evaluated: 2026-01-16. Review status: criteria provided, single submitter. Criteria: Invitae Variant Classification Sherloc (09022015). Collection method: clinical testing. Allele origin: germline.

Blueprint Genetics
Classification: Likely benign. Last evaluated: 2024-08-19. Review status: criteria provided, single submitter. Criteria: ACMG Guidelines, 2015. Collection method: clinical testing. Allele origin: germline.

PreventionGenetics, part of Exact Sciences
Classification: Likely benign for LAMC2-related condition. Last evaluated: 2019-08-14. Review status: no assertion criteria provided. Collection method: clinical testing. Allele origin: germline. Not counted in ClinVar's aggregate classification.
Comment: This variant is classified as likely benign based on ACMG/AMP sequence variant interpretation guidelines (Richards et al. 2015 PMID: 25741868, with internal and published modifications).